The following is an entry in ClinVar:

NM_001080517.3(SETD5):c.229C>A (p.Arg77Ser)

Gene: SETD5 (SET domain containing 5; plus strand). Cytogenetic location: 3p25.3.
Variant type: single nucleotide variant.
Coding change: c.229C>A on transcript NM_001080517.3 (MANE Select); coding-DNA position 229, C replaced by A.
Protein change: p.Arg77Ser; replaces arginine 77 with serine.
Molecular consequence: missense variant. On other transcripts: 5 prime UTR variant (2).
Genome position (GRCh38, 1-based): chr3:9,434,385, C>A. VCF-style: chr3-9434385-C-A. GRCh37 (hg19) VCF-style: chr3-9476069-C-A.
Other names: c.-105C>A (NM_001292043.2); c.-146C>A (NM_001349451.2); short protein forms R77S.
Identifiers: ClinVar variation 2123274 (VCV002123274.4), dbSNP rs778124040, ClinGen allele CA351682662.
Genomic context (GRCh38, chr3:9,434,385, plus strand): 5'-CCTGTCCAGACGATCATCCCTCGTTCTGACCTGAATGGCCTGCCGTCGCCTGTAGAGGAA[C>A]GCTGTGGAGACAGCCCGAACTCTGAAGGAGAAACTGTACCTACCTGGTGTCCTTGTGGTC-3'
Protein context (NP_001073986.1, residues 67-87): LNGLPSPVEE[Arg77Ser]CGDSPNSEGE

ClinVar aggregate classification (germline): Uncertain significance (1 of 4 stars; one submission).

gnomAD v4.1: 1 of 1,613,954 alleles (0.000062%); highest among the groups gnomAD compares: Non-Finnish European, 0.000085%; no homozygotes.

Submission:

Labcorp Genetics (formerly Invitae), Labcorp
Classification: Uncertain significance. Last evaluated: 2022-06-14. Review status: criteria provided, single submitter. Criteria: Invitae Variant Classification Sherloc (09022015). Collection method: clinical testing. Allele origin: germline.
Comment: In summary, the available evidence is currently insufficient to determine the role of this variant in disease. Therefore, it has been classified as a Variant of Uncertain Significance. Algorithms developed to predict the effect of missense changes on protein structure and function (SIFT, PolyPhen-2, Align-GVGD) all suggest that this variant is likely to be tolerated. This variant has not been reported in the literature in individuals affected with SETD5-related conditions. This variant is not present in population databases (gnomAD no frequency). This sequence change replaces arginine, which is basic and polar, with serine, which is neutral and polar, at codon 77 of the SETD5 protein (p.Arg77Ser).